The following is an entry in ClinVar:

NM_001384732.1(CPLANE1):c.5957A>G (p.Asp1986Gly)

Gene: CPLANE1 (ciliogenesis and planar polarity effector complex subunit 1; minus strand). Cytogenetic location: 5p13.2.
Variant type: single nucleotide variant.
Coding change: c.5957A>G on transcript NM_001384732.1 (MANE Select); coding-DNA position 5957, A replaced by G.
Protein change: p.Asp1986Gly; replaces aspartic acid 1986 with glycine.
Molecular consequence: missense variant.
Genome position (GRCh38, 1-based): chr5:37,175,930, T>C on the plus strand (A>G on the coding strand, the complement: CPLANE1 is on the minus strand). VCF-style: chr5-37175930-T-C. GRCh37 (hg19) VCF-style: chr5-37176032-T-C.
Other names: c.5957A>G, p.Asp1986Gly (NM_023073.4); short protein forms D1986G.
Identifiers: ClinVar variation 1901481 (VCV001901481.5), dbSNP rs762263576, ClinGen allele CA3238382.

ClinVar aggregate classification (germline): Uncertain significance (1 of 4 stars; one submission).

Allele frequency attached by ClinVar (database versions not stated): TOPMed below 0.00001.
gnomAD v4.1: 3 of 1,613,344 alleles (0.00019%); highest among the groups gnomAD compares: South Asian, 0.0011%; no homozygotes.

Submission:

Labcorp Genetics (formerly Invitae), Labcorp
Classification: Uncertain significance. Last evaluated: 2022-10-13. Review status: criteria provided, single submitter. Criteria: Invitae Variant Classification Sherloc (09022015). Collection method: clinical testing. Allele origin: germline.
Comment: This sequence change replaces aspartic acid, which is acidic and polar, with glycine, which is neutral and non-polar, at codon 1986 of the CPLANE1 protein (p.Asp1986Gly). This variant is present in population databases (rs762263576, gnomAD 0.003%). This variant has not been reported in the literature in individuals affected with CPLANE1-related conditions. Advanced modeling of protein sequence and biophysical properties (such as structural, functional, and spatial information, amino acid conservation, physicochemical variation, residue mobility, and thermodynamic stability) performed at Invitae indicates that this missense variant is not expected to disrupt CPLANE1 protein function. Algorithms developed to predict the effect of sequence changes on RNA splicing suggest that this variant may create or strengthen a splice site. In summary, the available evidence is currently insufficient to determine the role of this variant in disease. Therefore, it has been classified as a Variant of Uncertain Significance.